The following is an entry in ClinVar:

ClinVar aggregate classification (germline): Uncertain significance (1 of 4 stars; one submission).

Submission:

Labcorp Genetics (formerly Invitae), Labcorp
Classification: Uncertain significance. Last evaluated: 2023-04-09. Review status: criteria provided, single submitter. Criteria: Invitae Variant Classification Sherloc (09022015). Collection method: clinical testing. Allele origin: germline.
Comment: This variant is not present in population databases (gnomAD no frequency). This sequence change replaces glutamine, which is neutral and polar, with glutamic acid, which is acidic and polar, at codon 338 of the TWNK protein (p.Gln338Glu). This variant has not been reported in the literature in individuals affected with TWNK-related conditions. In summary, the available evidence is currently insufficient to determine the role of this variant in disease. Therefore, it has been classified as a Variant of Uncertain Significance. Advanced modeling of protein sequence and biophysical properties (such as structural, functional, and spatial information, amino acid conservation, physicochemical variation, residue mobility, and thermodynamic stability) performed at Invitae indicates that this missense variant is not expected to disrupt TWNK protein function.

NM_021830.5(TWNK):c.1012C>G (p.Gln338Glu)

Gene: TWNK (twinkle mtDNA helicase; plus strand). Cytogenetic location: 10q24.31.
Variant type: single nucleotide variant.
Coding change: c.1012C>G on transcript NM_021830.5 (MANE Select); coding-DNA position 1012, C replaced by G.
Protein change: p.Gln338Glu; replaces glutamine 338 with glutamic acid.
Molecular consequence: missense variant. On other transcripts: non-coding transcript variant (4), intron variant (3).
Genome position (GRCh38, 1-based): chr10:100,989,222, C>G. VCF-style: chr10-100989222-C-G. GRCh37 (hg19) VCF-style: chr10-102748979-C-G.
Other names: c.1012C>G, p.Gln338Glu (NM_001163812.2); c.-119-422C>G (NM_001163814.2, NM_001163813.2); c.-57-484C>G (NM_001368275.1); short protein forms Q338E.
Identifiers: ClinVar variation 2854420 (VCV002854420.3), dbSNP rs2493632958, ClinGen allele CA378209664.
Genomic context (GRCh38, chr10:100,989,222, plus strand): 5'-GCCAAGTTGTTTGCACGAAAACTGAACCCCAAACGATGCTTCTTGGTGCGACCAGGAGAC[C>G]AGCAACCCCGTCCCCTGGAGGCCCTGAACGGAGGCTTCAATCTTTCTCGTATTCTTCGTA-3'
Protein context (NP_068602.2, residues 328-348): KRCFLVRPGD[Gln338Glu]QPRPLEALNG